The following is an entry in ClinVar:

NM_003823.4(TNFRSF6B):c.359T>A (p.Phe120Tyr)

Genes: RTEL1-TNFRSF6B (RTEL1-TNFRSF6B readthrough (NMD candidate); plus strand), TNFRSF6B (TNF receptor superfamily member 6b; plus strand). Cytogenetic location: 20q13.33.
Variant type: single nucleotide variant.
Coding change: c.359T>A on transcript NM_003823.4 (MANE Select); coding-DNA position 359, T replaced by A.
Protein change: p.Phe120Tyr; replaces phenylalanine 120 with tyrosine.
Molecular consequence: missense variant. On other transcripts: non-coding transcript variant (1).
Genome position (GRCh38, 1-based): chr20:63,697,126, T>A. VCF-style: chr20-63697126-T-A. GRCh37 (hg19) VCF-style: chr20-62328479-T-A.
Other names: short protein forms F120Y.
Identifiers: ClinVar variation 2791892 (VCV002791892.3), dbSNP rs1454259097, ClinGen allele CA409711278.
Genomic context (GRCh38, chr20:63,697,126, plus strand): 5'-AGGAGGCACGGGCTTGCCACGCCACCCACAACCGTGCCTGCCGCTGCCGCACCGGCTTCT[T>A]CGCGCACGCTGGTTTCTGCTTGGAGCACGCATCGTGTCCACCTGGTGCCGGCGTGATTGC-3'
Protein context (NP_003814.1, residues 110-130): NRACRCRTGF[Phe120Tyr]AHAGFCLEHA

ClinVar aggregate classification (germline): Uncertain significance (1 of 4 stars; one submission).

Allele frequency attached by ClinVar (database versions not stated): TOPMed below 0.00001; gnomAD 0.00001.
gnomAD v4.1: 1 of 1,592,956 alleles (0.000063%); highest among the groups gnomAD compares: Non-Finnish European, 0.000085%; no homozygotes.

Submission:

Labcorp Genetics (formerly Invitae), Labcorp
Classification: Uncertain significance. Last evaluated: 2023-11-18. Review status: criteria provided, single submitter. Criteria: Invitae Variant Classification Sherloc (09022015). Collection method: clinical testing. Allele origin: germline.
Comment: This sequence change replaces phenylalanine, which is neutral and non-polar, with tyrosine, which is neutral and polar, at codon 120 of the TNFRSF6B protein (p.Phe120Tyr). This variant is not present in population databases (gnomAD no frequency). This variant has not been reported in the literature in individuals affected with TNFRSF6B-related conditions. Algorithms developed to predict the effect of missense changes on protein structure and function output the following: SIFT: "Not Available"; PolyPhen-2: "Benign"; Align-GVGD: "Not Available". The tyrosine amino acid residue is found in multiple mammalian species, which suggests that this missense change does not adversely affect protein function. In summary, the available evidence is currently insufficient to determine the role of this variant in disease. Therefore, it has been classified as a Variant of Uncertain Significance.